The following is an entry in ClinVar:

ClinVar aggregate classification (germline): Benign. Review status: criteria provided, multiple submitters, no conflicts (2 of 4 stars). 6 submissions from 4 submitters: Benign (6). Last evaluated 2021-07-01.

Conditions:
Usher syndrome type 1 (USH1). Also called: RETINITIS PIGMENTOSA AND CONGENITAL DEAFNESS. Identifiers: Orphanet 231169, Orphanet 886, MedGen C1568247, MONDO:0010168, OMIM 276900.
Autosomal dominant nonsyndromic hearing loss 11. Identifiers: Orphanet 90635, MedGen C1832475, MONDO:0011032, OMIM 601317.
Autosomal recessive nonsyndromic hearing loss 2. Also called: DEAFNESS, AUTOSOMAL RECESSIVE 2; NEUROSENSORY NONSYNDROMIC RECESSIVE DEAFNESS 2. Identifiers: Orphanet 90636, MedGen C1838701, MONDO:0010807, OMIM 600060.

Allele frequency attached by ClinVar (database versions not stated): gnomAD exomes 0.07017 and 0.09656; ExAC 0.08934; ESP Exome Variant Server 0.10433; gnomAD 0.11805 and 0.11860; TOPMed 0.13094; 1000 Genomes Project 30x 0.17786; 1000 Genomes Project 0.17792.
gnomAD v4.1: 113,130 of 1,491,962 alleles (7.6%); highest among the groups gnomAD compares: East Asian, 28%; 6,582 homozygotes.

Submissions (6):

Genome-Nilou Lab
Classification: Benign for Autosomal dominant nonsyndromic hearing loss 11. Last evaluated: 2021-07-01. Review status: criteria provided, single submitter. Criteria: ACMG Guidelines, 2015. Collection method: clinical testing. Allele origin: germline. Affected: no.

Genome-Nilou Lab
Classification: Benign for Autosomal recessive nonsyndromic hearing loss 2. Last evaluated: 2021-07-01. Review status: criteria provided, single submitter. Criteria: ACMG Guidelines, 2015. Collection method: clinical testing. Allele origin: germline. Affected: no.

Genome-Nilou Lab
Classification: Benign for Usher syndrome type 1. Last evaluated: 2021-07-01. Review status: criteria provided, single submitter. Criteria: ACMG Guidelines, 2015. Collection method: clinical testing. Allele origin: germline. Affected: no.

GeneDx
Classification: Benign. Last evaluated: 2018-06-14. Review status: criteria provided, single submitter. Criteria: GeneDx Variant Classification (06012015). Collection method: clinical testing. Allele origin: germline. Affected: yes.
Comment: This variant is considered likely benign or benign based on one or more of the following criteria: it is a conservative change, it occurs at a poorly conserved position in the protein, it is predicted to be benign by multiple in silico algorithms, and/or has population frequency not consistent with disease.

Breakthrough Genomics
Classification: Benign. Review status: criteria provided, single submitter. Criteria: ACMG Guidelines, 2015. Collection method: not provided. Allele origin: germline. Inheritance: Autosomal recessive inheritance. Affected: yes.

PreventionGenetics, part of Exact Sciences
Classification: Benign. Review status: criteria provided, single submitter. Criteria: ACMG Guidelines, 2015. Collection method: clinical testing. Allele origin: germline.

NM_000260.4(MYO7A):c.736-47C>A

Gene: MYO7A (myosin VIIA; plus strand). Cytogenetic location: 11q13.5.
Variant type: single nucleotide variant.
Coding change: c.736-47C>A on transcript NM_000260.4 (MANE Select); 47 bases into the intron before coding-DNA position 736, C replaced by A.
Molecular consequence: intron variant.
Genome position (GRCh38, 1-based): chr11:77,157,232, C>A. VCF-style: chr11-77157232-C-A. GRCh37 (hg19) VCF-style: chr11-76868278-C-A.
Other names: c.703-47C>A (NM_001369365.1); c.736-47C>A (NM_001127180.2).
Identifiers: ClinVar variation 255667 (VCV000255667.6), dbSNP rs3737454, ClinGen allele CA6197234.
Genomic context (GRCh38, chr11:77,157,232, plus strand): 5'-CTCCACAAGCCATTTGTTAAAATAGTAAACCATCATCCCAGGCTAGTTCCTGATGGCCTC[C>A]TCTGGCCCTCCTCCCCTGGCCCCCAGCACTGTGCCCACATTTTCAGGCCCTGGATGAAAG-3'